The following is an entry in ClinVar:

ClinVar aggregate classification (germline): Uncertain significance (1 of 4 stars; one submission).

Conditions:
Intellectual developmental disorder, X-linked 1. Also called: MENTAL RETARDATION, X-LINKED 18; MENTAL RETARDATION, X-LINKED 78; Intellectual disability, X-linked 1; Atkin Flaitz Patil Smith syndrome. Identifiers: Orphanet 777, MedGen C2931498, MONDO:0010656, OMIM 309530.

Submission:

Labcorp Genetics (formerly Invitae), Labcorp
Classification: Uncertain significance for Intellectual developmental disorder, X-linked 1. Last evaluated: 2022-07-27. Review status: criteria provided, single submitter. Criteria: Invitae Variant Classification Sherloc (09022015). Collection method: clinical testing. Allele origin: germline.
Comment: This sequence change replaces threonine, which is neutral and polar, with isoleucine, which is neutral and non-polar, at codon 448 of the IQSEC2 protein (p.Thr448Ile). This variant is not present in population databases (gnomAD no frequency). This variant has not been reported in the literature in individuals affected with IQSEC2-related conditions. Advanced modeling of protein sequence and biophysical properties (such as structural, functional, and spatial information, amino acid conservation, physicochemical variation, residue mobility, and thermodynamic stability) performed at Invitae indicates that this missense variant is not expected to disrupt IQSEC2 protein function. In summary, the available evidence is currently insufficient to determine the role of this variant in disease. Therefore, it has been classified as a Variant of Uncertain Significance.

NM_001111125.3(IQSEC2):c.1343C>T (p.Thr448Ile)

Gene: IQSEC2 (IQ motif and Sec7 domain ArfGEF 2; minus strand). Cytogenetic location: Xp11.22.
Variant type: single nucleotide variant.
Coding change: c.1343C>T on transcript NM_001111125.3 (MANE Select); coding-DNA position 1343, C replaced by T.
Protein change: p.Thr448Ile; replaces threonine 448 with isoleucine.
Molecular consequence: missense variant.
Genome position (GRCh38, 1-based): chrX:53,254,588, G>A on the plus strand (C>T on the coding strand, the complement: IQSEC2 is on the minus strand). VCF-style: chrX-53254588-G-A. GRCh37 (hg19) VCF-style: chrX-53283770-G-A.
Other names: c.1343C>T, p.Thr448Ile (NM_001410736.1); c.728C>T, p.Thr243Ile (NM_015075.2); short protein forms T243I, T448I.
Identifiers: ClinVar variation 1713922 (VCV001713922.6), dbSNP rs2519836249, ClinGen allele CA413167613.